The following is an entry in ClinVar:

NM_015338.6(ASXL1):c.965A>T (p.Glu322Val)

Gene: ASXL1 (ASXL transcriptional regulator 1; plus strand). Cytogenetic location: 20q11.21.
Variant type: single nucleotide variant.
Coding change: c.965A>T on transcript NM_015338.6 (MANE Select); coding-DNA position 965, A replaced by T.
Protein change: p.Glu322Val; replaces glutamic acid 322 with valine.
Molecular consequence: missense variant.
Genome position (GRCh38, 1-based): chr20:32,431,665, A>T. VCF-style: chr20-32431665-A-T. GRCh37 (hg19) VCF-style: chr20-31019468-A-T.
Other names: c.782A>T, p.Glu261Val (NM_001363734.1); short protein forms E261V, E322V.
Identifiers: ClinVar variation 3955345 (VCV003955345.1).

ClinVar aggregate classification (germline): Uncertain significance (1 of 4 stars; one submission).

Conditions:
Inborn genetic diseases. Identifiers: MedGen C0950123, MeSH D030342.

Submission:

Ambry Genetics
Classification: Uncertain significance for Inborn genetic diseases. Last evaluated: 2025-03-28. Review status: criteria provided, single submitter. Criteria: Ambry Variant Classification Scheme 2023. Collection method: clinical testing. Allele origin: germline.
Comment: The p.E322V variant (also known as c.965A>T), located in coding exon 10 of the ASXL1 gene, results from an A to T substitution at nucleotide position 965. The glutamic acid at codon 322 is replaced by valine, an amino acid with dissimilar properties. This amino acid position is conserved. In addition, this alteration is predicted to be deleterious by in silico analysis. Based on the available evidence, the clinical significance of this variant remains unclear.